The following is an entry in ClinVar:

ClinVar aggregate classification (germline): Uncertain significance (1 of 4 stars; one submission).

gnomAD v4.1: 1 of 1,613,596 alleles (0.000062%); highest among the groups gnomAD compares: African/African-American, 0.0013%; no homozygotes.

Submission:

Ambry Genetics
Classification: Uncertain significance. Last evaluated: 2026-03-11. Review status: criteria provided, single submitter. Criteria: Ambry Variant Classification Scheme 2023. Collection method: clinical testing. Allele origin: germline.
Comment: The p.S503N variant (also known as c.1508G>A), located in coding exon 16 of the SRP72 gene, results from a G to A substitution at nucleotide position 1508. The serine at codon 503 is replaced by asparagine, an amino acid with highly similar properties. This amino acid position is conserved. In addition, the in silico prediction for this alteration is inconclusive. Based on the available evidence, the clinical significance of this variant remains unclear.

NM_006947.4(SRP72):c.1508G>A (p.Ser503Asn)

Gene: SRP72 (signal recognition particle 72; plus strand). Cytogenetic location: 4q12.
Variant type: single nucleotide variant.
Coding change: c.1508G>A on transcript NM_006947.4 (MANE Select); coding-DNA position 1508, G replaced by A.
Protein change: p.Ser503Asn; replaces serine 503 with asparagine.
Molecular consequence: missense variant. On other transcripts: non-coding transcript variant (1).
Genome position (GRCh38, 1-based): chr4:56,491,436, G>A. VCF-style: chr4-56491436-G-A. GRCh37 (hg19) VCF-style: chr4-57357602-G-A.
Other names: c.1325G>A, p.Ser442Asn (NM_001267722.2); short protein forms S503N, S442N.
Identifiers: ClinVar variation 4825789 (VCV004825789.1).
Genomic context (GRCh38, chr4:56,491,436, plus strand): 5'-ATATAAATGTGTGTGTTTGTGTATATTATGTTCCTGAACTCCTGTTCTATCACAGTCTTA[G>A]TAAACACTTGCCATCGTCAGATAGTATGTCTCTAAAAGTAGATGTTGAGGCTCTTGAAAA-3'
Protein context (NP_008878.3, residues 493-513): LVDPEKAKAL[Ser503Asn]KHLPSSDSMS